The following is an entry in ClinVar:

NM_000557.5(GDF5):c.826= (p.Ala276=)

Genes: GDF5 (growth differentiation factor 5; minus strand), GDF5-AS1 (GDF5 antisense RNA 1; plus strand). Cytogenetic location: 20q11.22.
Variant type: single nucleotide variant.
Coding change: c.826= on transcript NM_000557.5 (MANE Select); coding-DNA position 826, no change from the reference sequence.
Protein change: p.Ala276=; no amino-acid change (alanine 276 retained).
Molecular consequence: no sequence alteration. On other transcripts: non-coding transcript variant (1).
Genome position: GRCh38 VCF-style: chr20-35434589-C-C. GRCh37 (hg19) VCF-style: chr20-34022387-A-C.
Other names: c.826=, p.Ala276= (NM_001319138.2).
Identifiers: ClinVar variation 256716 (VCV000256716.24), dbSNP rs224331.

ClinVar aggregate classification (germline): Benign. Review status: criteria provided, multiple submitters, no conflicts (2 of 4 stars). 13 submissions from 9 submitters: Benign (10). 3 of the submissions do not count toward it. Last evaluated 2026-02-04.

Conditions:
Brachydactyly. Also called: Brachydactyly syndrome; Brachydactyly (disease). Identifiers: MedGen C0221357, MONDO:0021004, HP:0001156.
Multiple synostoses syndrome 2 (SYNS2). Identifiers: Orphanet 3237, MedGen C1832708, MONDO:0012394, OMIM 610017.
Acromesomelic dysplasia 2C, Hunter-Thompson type. Also called: Acromesomelic dysplasia, Hunter-Thompson type. Identifiers: Orphanet 968, MedGen C2930970, MONDO:0008717, OMIM 201250.
Grebe syndrome. Also called: ACROMESOMELIC DYSPLASIA 2A; ACROMESOMELIC DYSPLASIA, GREBE TYPE; GREBE DYSPLASIA. Identifiers: Orphanet 2098, MedGen C0265260, MONDO:0008703, OMIM 200700.
Acromesomelic dysplasia 2B. Also called: DU PAN SYNDROME. Identifiers: Orphanet 2639, MedGen C1856738, MONDO:0009231, OMIM 228900.

Allele frequency attached by ClinVar (database versions not stated): TOPMed 0.37472; 1000 Genomes Project 30x 0.38195; gnomAD 0.38490 and 0.38518.

Submissions (13):

Labcorp Genetics (formerly Invitae), Labcorp
Classification: Benign. Last evaluated: 2026-02-04. Review status: criteria provided, single submitter. Criteria: Invitae Variant Classification Sherloc (09022015). Collection method: clinical testing. Allele origin: germline.

Blueprint Genetics
Classification: Benign. Last evaluated: 2024-11-28. Review status: criteria provided, single submitter. Criteria: ACMG Guidelines, 2015. Collection method: clinical testing. Allele origin: germline.

GeneDx
Classification: Benign. Last evaluated: 2018-07-30. Review status: criteria provided, single submitter. Criteria: GeneDx Variant Classification Process June 2021. Collection method: clinical testing. Allele origin: germline. Affected: yes.

Illumina Laboratory Services, Illumina
Classification: Benign for Brachydactyly. Last evaluated: 2018-01-12. Review status: criteria provided, single submitter. Criteria: ICSL Variant Classification Criteria 13 December 2019. Collection method: clinical testing. Allele origin: germline.
Comment: This variant was observed in the ICSL laboratory as part of a predisposition screen in an ostensibly healthy population. It had not been previously curated by ICSL or reported in the Human Gene Mutation Database (HGMD: prior to June 1st, 2018), and was therefore a candidate for classification through an automated scoring system. Utilizing variant allele frequency, disease prevalence and penetrance estimates, and inheritance mode, an automated score was calculated to assess if this variant is too frequent to cause the disease. Based on the score and internal cut-off values, a variant classified as benign is not then subjected to further curation. The score for this variant resulted in a classification of benign for this disease.

Illumina Laboratory Services, Illumina
Classification: Benign for Fibular hypoplasia and complex brachydactyly. Last evaluated: 2018-01-12. Review status: criteria provided, single submitter. Criteria: ICSL Variant Classification Criteria 13 December 2019. Collection method: clinical testing. Allele origin: germline.
Comment: the same text as in the submission from Illumina Laboratory Services, Illumina above.

Illumina Laboratory Services, Illumina
Classification: Benign for Multiple synostoses syndrome 2. Last evaluated: 2018-01-12. Review status: criteria provided, single submitter. Criteria: ICSL Variant Classification Criteria 13 December 2019. Collection method: clinical testing. Allele origin: germline.
Comment: the same text as in the submission from Illumina Laboratory Services, Illumina above.

Illumina Laboratory Services, Illumina
Classification: Benign for Grebe syndrome. Last evaluated: 2018-01-12. Review status: criteria provided, single submitter. Criteria: ICSL Variant Classification Criteria 13 December 2019. Collection method: clinical testing. Allele origin: germline.
Comment: the same text as in the submission from Illumina Laboratory Services, Illumina above.

Illumina Laboratory Services, Illumina
Classification: Benign for Acromesomelic dysplasia 2C, Hunter-Thompson type. Last evaluated: 2018-01-12. Review status: criteria provided, single submitter. Criteria: ICSL Variant Classification Criteria 13 December 2019. Collection method: clinical testing. Allele origin: germline.
Comment: the same text as in the submission from Illumina Laboratory Services, Illumina above.

Breakthrough Genomics
Classification: Benign. Review status: criteria provided, single submitter. Criteria: ACMG Guidelines, 2015. Collection method: not provided. Allele origin: germline. Inheritance: Autosomal recessive inheritance. Affected: yes.

PreventionGenetics, part of Exact Sciences
Classification: Benign. Review status: criteria provided, single submitter. Criteria: ACMG Guidelines, 2015. Collection method: clinical testing. Allele origin: germline.

Clinical Genetics DNA and cytogenetics Diagnostics Lab, Erasmus MC, Erasmus Medical Center
Classification: Benign. Review status: no assertion criteria provided. Collection method: clinical testing. Allele origin: germline. Affected: yes. Study: VKGL Data-share Consensus. Not counted in ClinVar's aggregate classification.

Diagnostic Laboratory, Department of Genetics, University Medical Center Groningen
Classification: Benign. Review status: no assertion criteria provided. Collection method: clinical testing. Allele origin: germline. Affected: yes. Study: VKGL Data-share Consensus. Not counted in ClinVar's aggregate classification.

Joint Genome Diagnostic Labs from Nijmegen and Maastricht, Radboudumc and MUMC+
Classification: Benign. Review status: no assertion criteria provided. Collection method: clinical testing. Allele origin: germline. Affected: yes. Study: VKGL Data-share Consensus. Not counted in ClinVar's aggregate classification.